The following is an entry in ClinVar:

ClinVar aggregate classification (germline): Pathogenic (1 of 4 stars; one submission).

Submission:

Labcorp Genetics (formerly Invitae), Labcorp
Classification: Pathogenic. Last evaluated: 2022-12-08. Review status: criteria provided, single submitter. Criteria: Invitae Variant Classification Sherloc (09022015). Collection method: clinical testing. Allele origin: germline.
Comment: For these reasons, this variant has been classified as Pathogenic. This variant has not been reported in the literature in individuals affected with FREM2-related conditions. This variant is not present in population databases (gnomAD no frequency). This sequence change creates a premature translational stop signal (p.Leu2239Hisfs*6) in the FREM2 gene. It is expected to result in an absent or disrupted protein product. Loss-of-function variants in FREM2 are known to be pathogenic (PMID: 18203166, 26552811).

Literature cited by the submitters: PubMed 18203166; PubMed 26552811.

NM_207361.6(FREM2):c.6716_6717del (p.Leu2239fs)

Gene: FREM2 (FRAS1 related extracellular matrix 2; plus strand). Cytogenetic location: 13q13.3.
Variant type: Microsatellite.
Coding change: c.6716_6717del on transcript NM_207361.6 (MANE Select); coding-DNA positions 6716 to 6717, 2 bases deleted (TC; older notation c.6716_6717delTC).
Protein change: p.Leu2239fs; shifts the reading frame from leucine 2239.
Molecular consequence: frameshift variant.
Genome position (GRCh38, 1-based): chr13:38,851,082-38,851,083, TC deleted; deleting any 2 consecutive bases within chr13:38,851,079-38,851,083 gives the same sequence; the c. name uses the placement nearest the transcript's 3' end. VCF-style (leftmost placement, unchanged base first): chr13-38851078-ACT-A. GRCh37 (hg19) VCF-style: chr13-39425215-ACT-A.
Other names: short protein forms L2239fs.
Identifiers: ClinVar variation 2819410 (VCV002819410.3), dbSNP rs2541488882, ClinGen allele CA2739277557.